The following is an entry in ClinVar:

NM_014727.3(KMT2B):c.1307T>C (p.Val436Ala)

Gene: KMT2B (lysine methyltransferase 2B; plus strand). Cytogenetic location: 19q13.12.
Variant type: single nucleotide variant.
Coding change: c.1307T>C on transcript NM_014727.3 (MANE Select); coding-DNA position 1307, T replaced by C.
Protein change: p.Val436Ala; replaces valine 436 with alanine.
Molecular consequence: missense variant.
Genome position (GRCh38, 1-based): chr19:35,720,654, T>C. VCF-style: chr19-35720654-T-C. GRCh37 (hg19) VCF-style: chr19-36211556-T-C.
Other names: c.1307T>C (NM_014727.1); short protein forms V436A.
Identifiers: ClinVar variation 3022992 (VCV003022992.4), dbSNP rs1969154137, ClinGen allele CA405389943.

ClinVar aggregate classification (germline): Uncertain significance. Review status: criteria provided, multiple submitters, no conflicts (2 of 4 stars). 2 submissions from 2 submitters: Uncertain significance (2). Last evaluated 2025-08-02.

Conditions:
Inborn genetic diseases. Identifiers: MedGen C0950123, MeSH D030342.

Allele frequency attached by ClinVar (database versions not stated): gnomAD 0.00001.
gnomAD v4.1: 1 of 1,143,848 alleles (0.000087%); highest among the groups gnomAD compares: Admixed American, 0.0038%; no homozygotes.

Submissions (2):

Ambry Genetics
Classification: Uncertain significance for Inborn genetic diseases. Last evaluated: 2025-08-02. Review status: criteria provided, single submitter. Criteria: Ambry Variant Classification Scheme 2023. Collection method: clinical testing. Allele origin: germline.

Labcorp Genetics (formerly Invitae), Labcorp
Classification: Uncertain significance. Last evaluated: 2025-01-06. Review status: criteria provided, single submitter. Criteria: Invitae Variant Classification Sherloc (09022015). Collection method: clinical testing. Allele origin: germline.
Comment: This sequence change replaces valine, which is neutral and non-polar, with alanine, which is neutral and non-polar, at codon 436 of the KMT2B protein (p.Val436Ala). This variant is not present in population databases (gnomAD no frequency). This variant has not been reported in the literature in individuals affected with KMT2B-related conditions. ClinVar contains an entry for this variant (Variation ID: 3022992). Invitae Evidence Modeling of protein sequence and biophysical properties (such as structural, functional, and spatial information, amino acid conservation, physicochemical variation, residue mobility, and thermodynamic stability) indicates that this missense variant is not expected to disrupt KMT2B protein function with a negative predictive value of 95%. In summary, the available evidence is currently insufficient to determine the role of this variant in disease. Therefore, it has been classified as a Variant of Uncertain Significance.